The following is an entry in ClinVar:

NM_003896.4(ST3GAL5):c.494G>A (p.Arg165Gln)

Gene: ST3GAL5 (ST3 beta-galactoside alpha-2,3-sialyltransferase 5; minus strand). Cytogenetic location: 2p11.2.
Variant type: single nucleotide variant.
Coding change: c.494G>A on transcript NM_003896.4 (MANE Select); coding-DNA position 494, G replaced by A.
Protein change: p.Arg165Gln; replaces arginine 165 with glutamine.
Molecular consequence: missense variant. On other transcripts: 5 prime UTR variant (1).
Genome position (GRCh38, 1-based): chr2:85,848,029, C>T on the plus strand (G>A on the coding strand, the complement: ST3GAL5 is on the minus strand). VCF-style: chr2-85848029-C-T. GRCh37 (hg19) VCF-style: chr2-86075152-C-T.
Other names: c.425G>A, p.Arg142Gln (NM_001042437.2); c.110G>A, p.Arg37Gln (NM_001354223.2, NM_001354224.2, NM_001354226.2 and 3 more transcripts); c.410G>A, p.Arg137Gln (NM_001354227.2, NM_001354229.2, NM_001354238.1); c.-411G>A (NM_001354247.1); c.494G>A, p.Arg165Gln (NM_001363847.1); short protein forms R137Q, R142Q, R37Q, R165Q.
Identifiers: ClinVar variation 955845 (VCV000955845.11), dbSNP rs755483443, ClinGen allele CA1745029.

ClinVar aggregate classification (germline): Uncertain significance. Review status: criteria provided, multiple submitters, no conflicts (2 of 4 stars). 2 submissions from 2 submitters: Uncertain significance (2). Last evaluated 2024-12-16.

Conditions:
GM3 synthase deficiency (SPDRS). Also called: SALT AND PEPPER DEVELOPMENTAL REGRESSION SYNDROME; SALT AND PEPPER MENTAL RETARDATION SYNDROME; AMISH INFANTILE EPILEPSY SYNDROME. Identifiers: Orphanet 171714, Orphanet 370933, MedGen C1836824, MONDO:0018274, OMIM 609056.
Inborn genetic diseases. Identifiers: MedGen C0950123, MeSH D030342.

Allele frequency attached by ClinVar (database versions not stated): gnomAD exomes below 0.00001 and 0.00001; TOPMed below 0.00001; ExAC 0.00002.
gnomAD v4.1: 7 of 1,614,114 alleles (0.00043%); highest among the groups gnomAD compares: South Asian, 0.0011%; no homozygotes.

Submissions (2):

Labcorp Genetics (formerly Invitae), Labcorp
Classification: Uncertain significance for GM3 synthase deficiency. Last evaluated: 2024-12-16. Review status: criteria provided, single submitter. Criteria: Invitae Variant Classification Sherloc (09022015). Collection method: clinical testing. Allele origin: germline.
Comment: This sequence change replaces arginine, which is basic and polar, with glutamine, which is neutral and polar, at codon 165 of the ST3GAL5 protein (p.Arg165Gln). This variant is present in population databases (rs755483443, gnomAD 0.003%). This variant has not been reported in the literature in individuals affected with ST3GAL5-related conditions. ClinVar contains an entry for this variant (Variation ID: 955845). Invitae Evidence Modeling of protein sequence and biophysical properties (such as structural, functional, and spatial information, amino acid conservation, physicochemical variation, residue mobility, and thermodynamic stability) indicates that this missense variant is not expected to disrupt ST3GAL5 protein function with a negative predictive value of 95%. Algorithms developed to predict the effect of sequence changes on RNA splicing suggest that this variant may create or strengthen a splice site. In summary, the available evidence is currently insufficient to determine the role of this variant in disease. Therefore, it has been classified as a Variant of Uncertain Significance.

Ambry Genetics
Classification: Uncertain significance for Inborn genetic diseases. Last evaluated: 2022-05-05. Review status: criteria provided, single submitter. Criteria: Ambry Variant Classification Scheme 2023. Collection method: clinical testing. Allele origin: germline.